The following is an entry in ClinVar:

ClinVar aggregate classification (germline): Pathogenic (1 of 4 stars; one submission).

Submission:

GeneDx
Classification: Pathogenic. Last evaluated: 2026-10-08. Review status: criteria provided, single submitter. Criteria: GeneDx Variant Classification Process June 2021. Collection method: clinical testing. Allele origin: germline.
Comment: Nonsense variant predicted to result in protein truncation or nonsense mediated decay in a gene for which loss of function is a known mechanism of disease; Not observed at significant frequency in large population cohorts (gnomAD); Has not been previously published as pathogenic or benign to our knowledge

NM_005618.4(DLL1):c.1720C>T (p.Gln574Ter)

Gene: DLL1 (delta like canonical Notch ligand 1; minus strand). Cytogenetic location: 6q27.
Variant type: single nucleotide variant.
Coding change: c.1720C>T on transcript NM_005618.4 (MANE Select); coding-DNA position 1720, C replaced by T.
Protein change: p.Gln574Ter; replaces glutamine 574 with a stop codon.
Molecular consequence: nonsense.
Genome position (GRCh38, 1-based): chr6:170,283,559, G>A on the plus strand (C>T on the coding strand, the complement: DLL1 is on the minus strand). VCF-style: chr6-170283559-G-A. GRCh37 (hg19) VCF-style: chr6-170592647-G-A.
Other names: short protein forms Q574*.
Identifiers: ClinVar variation 3900783 (VCV003900783.2).